The following is an entry in ClinVar:

NM_020821.3(VPS13C):c.9541C>T (p.Arg3181Ter)

Gene: VPS13C (vacuolar protein sorting 13 homolog C; minus strand). Cytogenetic location: 15q22.2.
Variant type: single nucleotide variant.
Coding change: c.9541C>T on transcript NM_020821.3 (MANE Select); coding-DNA position 9541, C replaced by T.
Protein change: p.Arg3181Ter; replaces arginine 3181 with a stop codon.
Molecular consequence: nonsense.
Genome position (GRCh38, 1-based): chr15:61,882,679, G>A on the plus strand (C>T on the coding strand, the complement: VPS13C is on the minus strand). VCF-style: chr15-61882679-G-A. GRCh37 (hg19) VCF-style: chr15-62174878-G-A.
Other names: c.9541C>T, p.Arg3181Ter (NM_001018088.3); c.9412C>T, p.Arg3138Ter (NM_017684.5, NM_018080.4); short protein forms R3138*, R3181*.
Identifiers: ClinVar variation 1323752 (VCV001323752.7), dbSNP rs571944290, ClinGen allele CA7594617.

ClinVar aggregate classification (germline): Pathogenic (1 of 4 stars; one submission).

Allele frequency attached by ClinVar (database versions not stated): TOPMed below 0.00001; gnomAD 0.00001 and 0.00002; gnomAD exomes 0.00003; ExAC 0.00006; 1000 Genomes Project 0.00020; 1000 Genomes Project 30x 0.00031.
gnomAD v4.1: 73 of 1,598,534 alleles (0.0046%); highest among the groups gnomAD compares: South Asian, 0.018%; no homozygotes.

Submission:

Labcorp Genetics (formerly Invitae), Labcorp
Classification: Pathogenic. Last evaluated: 2024-04-17. Review status: criteria provided, single submitter. Criteria: Invitae Variant Classification Sherloc (09022015). Collection method: clinical testing. Allele origin: germline.
Comment: This sequence change creates a premature translational stop signal (p.Arg3181*) in the VPS13C gene. It is expected to result in an absent or disrupted protein product. Loss-of-function variants in VPS13C are known to be pathogenic (PMID: 26942284, 34875562). This variant is present in population databases (rs571944290, gnomAD 0.01%). This variant has not been reported in the literature in individuals affected with VPS13C-related conditions. ClinVar contains an entry for this variant (Variation ID: 1323752). For these reasons, this variant has been classified as Pathogenic.

Literature cited by the submitters: PubMed 26942284; PubMed 34875562.